The following is an entry in ClinVar:

NM_012162.4(FBXL6):c.1323A>G (p.Thr441=)

Gene: FBXL6 (F-box and leucine rich repeat protein 6; minus strand). Cytogenetic location: 8q24.3.
Variant type: single nucleotide variant.
Coding change: c.1323A>G on transcript NM_012162.4 (MANE Select); coding-DNA position 1323, A replaced by G.
Protein change: p.Thr441=; no amino-acid change (threonine 441 retained).
Molecular consequence: synonymous variant.
Genome position (GRCh38, 1-based): chr8:144,356,117, T>C on the plus strand (A>G on the coding strand, the complement: FBXL6 is on the minus strand). VCF-style: chr8-144356117-T-C. GRCh37 (hg19) VCF-style: chr8-145579777-T-C.
Other names: c.1305A>G, p.Thr435= (NM_024555.6).
Identifiers: ClinVar variation 4534500 (VCV004534500.6).

ClinVar aggregate classification (germline): Likely benign (1 of 4 stars; one submission).

gnomAD v4.1: 7 of 1,612,874 alleles (0.00043%); highest among the groups gnomAD compares: East Asian, 0.0022%; no homozygotes.

Submission:

CeGaT Center for Human Genetics Tuebingen
Classification: Likely benign. Last evaluated: 2025-10-01. Review status: criteria provided, single submitter. Criteria: CeGaT Center For Human Genetics Tuebingen Variant Classification Criteria Version 2. Collection method: clinical testing. Allele origin: germline. Affected: yes. Observed: 1 variant allele.
Comment: FBXL6: BP4, BP7